The following is an entry in ClinVar:

ClinVar aggregate classification (germline): Uncertain significance (1 of 4 stars; one submission).

Submission:

Labcorp Genetics (formerly Invitae), Labcorp
Classification: Uncertain significance. Last evaluated: 2022-06-30. Review status: criteria provided, single submitter. Criteria: Invitae Variant Classification Sherloc (09022015). Collection method: clinical testing. Allele origin: germline.
Comment: This sequence change falls in intron 36 of the COL11A1 gene. It does not directly change the encoded amino acid sequence of the COL11A1 protein. It affects a nucleotide within the consensus splice site. In summary, the available evidence is currently insufficient to determine the role of this variant in disease. Therefore, it has been classified as a Variant of Uncertain Significance. Variants that disrupt the consensus splice site are a relatively common cause of aberrant splicing (PMID: 17576681, 9536098). Algorithms developed to predict the effect of sequence changes on RNA splicing suggest that this variant may disrupt the consensus splice site. This variant has been observed in individual(s) with clinical features of Stickler syndrome (Invitae). This variant is not present in population databases (gnomAD no frequency).

Literature cited by the submitters: PubMed 17576681; PubMed 9536098.

NM_001854.4(COL11A1):c.2808+5G>C

Gene: COL11A1 (collagen type XI alpha 1 chain; minus strand). Cytogenetic location: 1p21.1.
Variant type: single nucleotide variant.
Coding change: c.2808+5G>C on transcript NM_001854.4 (MANE Select); 5 bases into the intron after coding-DNA position 2808, G replaced by C.
Molecular consequence: intron variant.
Genome position (GRCh38, 1-based): chr1:102,974,825, C>G on the plus strand (G>C on the coding strand, the complement: COL11A1 is on the minus strand). VCF-style: chr1-102974825-C-G. GRCh37 (hg19) VCF-style: chr1-103440381-C-G.
Other names: c.2691+5G>C (NM_001190709.2); c.2844+5G>C (NM_080629.3); c.2460+5G>C (NM_080630.4).
Identifiers: ClinVar variation 2012334 (VCV002012334.4), dbSNP rs2525063843, ClinGen allele CA2580060728.
Genomic context (GRCh38, chr1:102,974,825, plus strand): 5'-GCTGTGACTCTCAAAAATGTAAAAATATCAAATGAAGAAAGAGAAAGAGAAGCTCTGACA[C>G]TTACAGGAGGGCCTTTTGGTCCAGGGAATCCAACTGGACCCTGAGGTCCTTGAGGACCCT-3'